The following is an entry in ClinVar:

ClinVar aggregate classification (germline): Uncertain significance. Review status: criteria provided, multiple submitters, no conflicts (2 of 4 stars). 2 submissions from 2 submitters: Uncertain significance (2). Last evaluated 2023-11-27.

Conditions:
Inborn genetic diseases. Identifiers: MedGen C0950123, MeSH D030342.
Hereditary sensory and autonomic neuropathy type 6. Also called: HSAN VI; Neuropathy, hereditary sensory and autonomic, type VI. Identifiers: Orphanet 314381, MedGen C3539003, MONDO:0013839, OMIM 614653.
Epidermolysis bullosa simplex 3, localized or generalized intermediate, with BP230 deficiency (EBS3). Also called: Epidermolysis bullosa simplex due to BP230 deficiency; Epidermolysis bullosa simplex, autosomal recessive 2. Identifiers: Orphanet 412181, MedGen C3809470, MONDO:0014180, OMIM 615425.

Allele frequency attached by ClinVar (database versions not stated): TOPMed 0.00002; gnomAD 0.00003; ExAC 0.00004; gnomAD exomes 0.00004.
gnomAD v4.1: 60 of 1,610,496 alleles (0.0037%); highest among the groups gnomAD compares: Non-Finnish European, 0.0035%; no homozygotes.

Submissions (2):

Labcorp Genetics (formerly Invitae), Labcorp
Classification: Uncertain significance for Epidermolysis bullosa simplex 3, localized or generalized intermediate, with BP230 deficiency; Hereditary sensory and autonomic neuropathy type 6. Last evaluated: 2023-11-27. Review status: criteria provided, single submitter. Criteria: Invitae Variant Classification Sherloc (09022015). Collection method: clinical testing. Allele origin: germline.
Comment: The DST gene has multiple clinically relevant transcripts. This variant occurs in alternate transcript NM_015548.4, and corresponds to NM_001723.5:c.*62736G>C in the primary transcript. This sequence change replaces glutamine, which is neutral and polar, with histidine, which is basic and polar, at codon 2714 of the DST protein (p.Gln2714His). This variant is present in population databases (rs754790209, gnomAD 0.01%). This variant has not been reported in the literature in individuals affected with DST-related conditions. Experimental studies and prediction algorithms are not available or were not evaluated, and the functional significance of this variant is currently unknown. In summary, the available evidence is currently insufficient to determine the role of this variant in disease. Therefore, it has been classified as a Variant of Uncertain Significance.

Ambry Genetics
Classification: Uncertain significance for Inborn genetic diseases. Last evaluated: 2021-06-28. Review status: criteria provided, single submitter. Criteria: Ambry Variant Classification Scheme 2023. Collection method: clinical testing. Allele origin: germline.
Comment: The p.Q3218H variant (also known as c.9654G>C), located in coding exon 55 of the DST gene, results from a G to C substitution at nucleotide position 9654. The glutamine at codon 3218 is replaced by histidine, an amino acid with highly similar properties. This amino acid position is not well conserved in available vertebrate species. In addition, this alteration is predicted to be tolerated by in silico analysis. Since supporting evidence is limited at this time, the clinical significance of this alteration remains unclear.

NM_001374736.1(DST):c.16011G>C (p.Gln5337His)

Gene: DST (dystonin; minus strand). Cytogenetic location: 6p12.1.
Variant type: single nucleotide variant.
Coding change: c.16011G>C on transcript NM_001374736.1 (MANE Select); coding-DNA position 16011, G replaced by C.
Protein change: p.Gln5337His; replaces glutamine 5337 with histidine.
Molecular consequence: missense variant.
Genome position (GRCh38, 1-based): chr6:56,552,781, C>G on the plus strand (G>C on the coding strand, the complement: DST is on the minus strand). VCF-style: chr6-56552781-C-G. GRCh37 (hg19) VCF-style: chr6-56417579-C-G.
Other names: c.9654G>C, p.Gln3218His (NM_001144769.5); c.9240G>C, p.Gln3080His (NM_001144770.2); c.16011G>C, p.Gln5337His (NM_001374722.1); c.15378G>C, p.Gln5126His (NM_001374729.1); c.9120G>C, p.Gln3040His (NM_001374730.1, NM_001386100.1, NM_183380.4); c.16038G>C, p.Gln5346His (NM_001374734.1); c.8142G>C, p.Gln2714His (NM_015548.5); short protein forms Q3080H, Q5346H, Q5126H, Q2714H, Q3040H, Q3218H, Q5337H.
Identifiers: ClinVar variation 1767682 (VCV001767682.5), dbSNP rs754790209, ClinGen allele CA3867743.
Genomic context (GRCh38, chr6:56,552,781, plus strand): 5'-TTCCACTTGTAATAAAACATCAGAGGTTCCCTTTGAGTCTGAGGCCTCTACCACAAGGTC[C>G]TGTGCAAGTCTTTTAGCCAAATCTACCTGATGCTTCAAGGCCTGAAGTGATTTCTGCTGA-3'
Protein context (NP_001361665.1, residues 5327-5347): HQVDLAKRLA[Gln5337His]DLVVEASDSK